The following is an entry in ClinVar:

ClinVar aggregate classification (germline): Conflicting classifications of pathogenicity. Review status: criteria provided, conflicting classifications (1 of 4 stars). 4 submissions from 4 submitters: Pathogenic (2); Uncertain significance (1). 1 of the submissions does not count toward it. Last evaluated 2025-12-07.

Conditions:
RYR1-related disorder. Also called: RYR1-related condition; RYR1-related disorders. Identifiers: MedGen CN239331.
Myopathy, RYR1-associated.
Malignant hyperthermia, susceptibility to, 1 (MHS1). Also called: Anesthesia related hyperthermia; Malignant hyperpyrexia; Fulminating hyperpyrexia; Pharmacogenic myopathy; Malignant hyperthermia suceptibility 1; RYR1-Related Malignant Hyperthermia Susceptibility. Identifiers: Orphanet 423, MedGen C2930980, MONDO:0007783, OMIM 145600.

Submissions (4):

Labcorp Genetics (formerly Invitae), Labcorp
Classification: Pathogenic for RYR1-related disorder. Last evaluated: 2025-12-07. Review status: criteria provided, single submitter. Criteria: Invitae Variant Classification Sherloc (09022015). Collection method: clinical testing. Allele origin: germline.
Comment: This sequence change creates a premature translational stop signal (p.Phe3057Trpfs*29) in the RYR1 gene. It is expected to result in an absent or disrupted protein product. Loss-of-function variants in RYR1 are known to be pathogenic (PMID: 23919265, 25960145, 28818389, 30611313). This variant is not present in population databases (gnomAD no frequency). This variant has not been reported in the literature in individuals affected with RYR1-related conditions. For these reasons, this variant has been classified as Pathogenic.

Color Diagnostics, LLC DBA Color Health
Classification: Uncertain significance for Malignant hyperthermia, susceptibility to, 1. Last evaluated: 2025-09-09. Review status: criteria provided, single submitter. Criteria: ACMG Guidelines, 2015. Collection method: clinical testing. Allele origin: germline.
Comment: This variant deletes 2 nucleotides in exon 61 of the RYR1 gene, creating a frameshift and premature translation stop signal. This variant is expected to result in an absent or non-functional protein product. To our knowledge, this variant has not been reported in individuals affected with RYR1-related disorders in the literature. This variant has not been identified in the general population by the Genome Aggregation Database (gnomAD). Loss of RYR1 function due to haploinsufficiency is not an established disease mechanism for autosomal dominant malignant hyperthermia, although it is associated with other phenotype(s) (ClinVar Variation ID: 478297). Due to insufficient evidence, this variant is classified as a Variant of Uncertain Significance for autosomal dominant malignant hyperthermia.

Women's Health and Genetics/Laboratory Corporation of America, LabCorp
Classification: Pathogenic. Last evaluated: 2023-10-30. Review status: criteria provided, single submitter. Criteria: LabCorp Variant Classification Summary - May 2015. Collection method: clinical testing. Allele origin: germline.
Comment: Variant summary: RYR1 c.9168_9169delCT (p.Phe3057TrpfsX29) results in a premature termination codon, predicted to cause absence of the protein due to nonsense mediated decay, which is a commonly known mechanism for disease. The variant was absent in 251390 control chromosomes (gnomAD). To our knowledge, no occurrence of c.9168_9169delCT in individuals affected with Myopathy, RYR1-Associated and no experimental evidence demonstrating its impact on protein function have been reported. One submitter has cited a clinical-significance assessment for this variant to ClinVar after 2014 and has classified the variant as pathogenic. Based on the evidence outlined above, the variant was classified as pathogenic.

All of Us Research Program, National Institutes of Health
Classification: Uncertain significance for Malignant hyperthermia, susceptibility to, 1. Last evaluated: 2023-05-30. Review status: flagged submission. Criteria: ACMG Guidelines, 2015. Collection method: clinical testing. Allele origin: germline. Inheritance: Autosomal dominant inheritance. Observed: 1 variant allele, 1 heterozygote. Not counted in ClinVar's aggregate classification.
Comment: This variant deletes 2 nucleotides in exon 61 of the RYR1 gene, creating a frameshift and premature translation stop signal. This variant is expected to result in an absent or non-functional protein product. To our knowledge, this variant has not been reported in individuals affected with RYR1-related disorders in the literature. This variant has not been identified in the general population by the Genome Aggregation Database (gnomAD). Loss of RYR1 function due to haploinsufficiency is not an established disease mechanism for autosomal dominant malignant hyperthermia, although it is associated with other phenotype(s) (ClinVar Variation ID: 478297). Due to insufficient evidence, this variant is classified as a Variant of Uncertain Significance for autosomal dominant malignant hyperthermia.

This study involves interpretation of variants in research participants for the purpose of population health screening. Participant phenotype was not available at the time of variant classification. Additional details can be found in publication PMID: 35346344, PMCID: PMC8962531
ClinVar note: Reason: Outlier claim with insufficient supporting evidence

Literature cited by the submitters: PubMed 23919265 (cited by Labcorp Genetics (formerly Invitae), Labcorp); PubMed 25960145 (cited by Labcorp Genetics (formerly Invitae), Labcorp); PubMed 28818389 (cited by Labcorp Genetics (formerly Invitae), Labcorp); PubMed 30611313 (cited by Labcorp Genetics (formerly Invitae), Labcorp).

NM_000540.3(RYR1):c.9168_9169del (p.Phe3057fs)

Gene: RYR1 (ryanodine receptor 1; plus strand). Cytogenetic location: 19q13.2.
Variant type: Microsatellite.
Coding change: c.9168_9169del on transcript NM_000540.3 (MANE Select); coding-DNA positions 9168 to 9169, 2 bases deleted (CT; older notation c.9168_9169delCT).
Protein change: p.Phe3057fs; shifts the reading frame from phenylalanine 3057.
Molecular consequence: frameshift variant.
Genome position (GRCh38, 1-based): chr19:38,511,606-38,511,607, CT deleted; deleting any 2 consecutive bases within chr19:38,511,599-38,511,607 gives the same sequence; the c. name uses the placement nearest the transcript's 3' end. VCF-style (leftmost placement, unchanged base first): chr19-38511598-GTC-G. GRCh37 (hg19) VCF-style: chr19-39002238-GTC-G.
Other names: c.9168_9169del, p.Phe3057fs (NM_001042723.2); c.9168_9169delCT (NM_000540.3, NM_000540.2); short protein forms F3057fs.
Identifiers: ClinVar variation 478297 (VCV000478297.9), dbSNP rs1555787058, ClinGen allele CA658658812.